The following is an entry in ClinVar:

ClinVar aggregate classification (germline): Uncertain significance (1 of 4 stars; one submission).

Allele frequency attached by ClinVar (database versions not stated): TOPMed below 0.00001; gnomAD 0.00001; gnomAD exomes 0.00001.
gnomAD v4.1: 4 of 1,613,968 alleles (0.00025%); highest among the groups gnomAD compares: Non-Finnish European, 0.00034%; no homozygotes.

Submission:

Labcorp Genetics (formerly Invitae), Labcorp
Classification: Uncertain significance. Last evaluated: 2022-10-25. Review status: criteria provided, single submitter. Criteria: Invitae Variant Classification Sherloc (09022015). Collection method: clinical testing. Allele origin: germline.
Comment: In summary, the available evidence is currently insufficient to determine the role of this variant in disease. Therefore, it has been classified as a Variant of Uncertain Significance. This sequence change replaces threonine, which is neutral and polar, with alanine, which is neutral and non-polar, at codon 101 of the PDE6A protein (p.Thr101Ala). This variant is present in population databases (no rsID available, gnomAD 0.007%). This variant has not been reported in the literature in individuals affected with PDE6A-related conditions. ClinVar contains an entry for this variant (Variation ID: 1402893). Advanced modeling of protein sequence and biophysical properties (such as structural, functional, and spatial information, amino acid conservation, physicochemical variation, residue mobility, and thermodynamic stability) performed at Invitae indicates that this missense variant is not expected to disrupt PDE6A protein function.

NM_000440.3(PDE6A):c.301A>G (p.Thr101Ala)

Gene: PDE6A (phosphodiesterase 6A; minus strand). Cytogenetic location: 5q32.
Variant type: single nucleotide variant.
Coding change: c.301A>G on transcript NM_000440.3 (MANE Select); coding-DNA position 301, A replaced by G.
Protein change: p.Thr101Ala; replaces threonine 101 with alanine.
Molecular consequence: missense variant.
Genome position (GRCh38, 1-based): chr5:149,944,373, T>C on the plus strand (A>G on the coding strand, the complement: PDE6A is on the minus strand). VCF-style: chr5-149944373-T-C. GRCh37 (hg19) VCF-style: chr5-149323936-T-C.
Other names: short protein forms T101A.
Identifiers: ClinVar variation 1402893 (VCV001402893.7), dbSNP rs992173173, ClinGen allele CA129059228.
Genomic context (GRCh38, chr5:149,944,373, plus strand): 5'-GGACAGCATCCTTGTGGACATTGAAAAGCCTGGTGGCCAGCTCTGCGATGCCATTGCGGG[T>C]CCGGTACATGAACAGGCTCATGCGGTCTGCCTGCAGGAGGAAGCACAGCTTCTTCATGAC-3'
Protein context (NP_000431.2, residues 91-111): ADRMSLFMYR[Thr101Ala]RNGIAELATR